The following is an entry in ClinVar:

NM_172107.4(KCNQ2):c.1419C>T (p.Leu473=)

Gene: KCNQ2 (potassium voltage-gated channel subfamily Q member 2; minus strand). Cytogenetic location: 20q13.33.
Variant type: single nucleotide variant.
Coding change: c.1419C>T on transcript NM_172107.4 (MANE Select); coding-DNA position 1419, C replaced by T.
Protein change: p.Leu473=; no amino-acid change (leucine 473 retained).
Molecular consequence: synonymous variant.
Genome position (GRCh38, 1-based): chr20:63,415,009, G>A on the plus strand (C>T on the coding strand, the complement: KCNQ2 is on the minus strand). VCF-style: chr20-63415009-G-A. GRCh37 (hg19) VCF-style: chr20-62046362-G-A.
Other names: p.L473L:CTC>CTT; c.1335C>T, p.Leu445= (NM_001439004.1, NM_004518.6); c.1365C>T, p.Leu455= (NM_172106.3, NM_001382235.1, NM_001439003.1); c.1329C>T, p.Leu443= (NM_172108.5).
Identifiers: ClinVar variation 138023 (VCV000138023.41), dbSNP rs370155790, ClinGen allele CA291795.

ClinVar aggregate classification (germline): Benign/Likely benign. Review status: criteria provided, multiple submitters, no conflicts (2 of 4 stars). 7 submissions from 7 submitters: Benign (2); Likely benign (5). Last evaluated 2026-09-01.

Conditions:
Early-infantile DEE. Also called: Early infantile epileptic encephalopathy; Early infantile epileptic encephalopathy with suppression bursts; Ohtahara syndrome. Identifiers: Orphanet 1934, MedGen C0393706, MONDO:0800491.
Inborn genetic diseases. Identifiers: MedGen C0950123, MeSH D030342.

Allele frequency attached by ClinVar (database versions not stated): TOPMed 0.00032; ExAC 0.00039; gnomAD exomes 0.00051; gnomAD 0.00030 and 0.00031; ESP Exome Variant Server 0.00031.
gnomAD v4.1: 526 of 1,610,986 alleles (0.033%); highest among the groups gnomAD compares: Admixed American, 0.075%; no homozygotes.

Submissions (7):

CeGaT Center for Human Genetics Tuebingen
Classification: Likely benign. Last evaluated: 2026-09-01. Review status: criteria provided, single submitter. Criteria: CeGaT Center For Human Genetics Tuebingen Variant Classification Criteria Version 2. Collection method: clinical testing. Allele origin: germline. Affected: yes. Observed: 8 variant alleles.
Comment: KCNQ2: BP4, BP7

Labcorp Genetics (formerly Invitae), Labcorp
Classification: Benign for Early-infantile DEE. Last evaluated: 2026-01-28. Review status: criteria provided, single submitter. Criteria: Invitae Variant Classification Sherloc (09022015). Collection method: clinical testing. Allele origin: germline.

Blueprint Genetics
Classification: Likely benign. Last evaluated: 2024-08-01. Review status: criteria provided, single submitter. Criteria: ACMG Guidelines, 2015. Collection method: clinical testing. Allele origin: germline.

Athena Diagnostics
Classification: Likely benign. Last evaluated: 2016-12-21. Review status: criteria provided, single submitter. Criteria: Athena Diagnostics Criteria. Collection method: clinical testing. Allele origin: germline.

Ambry Genetics
Classification: Likely benign for Inborn genetic diseases. Last evaluated: 2016-06-14. Review status: criteria provided, single submitter. Criteria: Ambry Variant Classification Scheme 2023. Collection method: clinical testing. Allele origin: germline.

GeneDx
Classification: Benign. Last evaluated: 2013-09-23. Review status: criteria provided, single submitter. Criteria: GeneDx Variant Classification (06012015). Collection method: clinical testing. Allele origin: germline. Affected: yes.
Comment: This variant is considered likely benign or benign based on one or more of the following criteria: it is a conservative change, it occurs at a poorly conserved position in the protein, it is predicted to be benign by multiple in silico algorithms, and/or has population frequency not consistent with disease.

PreventionGenetics, part of Exact Sciences
Classification: Likely benign. Review status: criteria provided, single submitter. Criteria: ACMG Guidelines, 2015. Collection method: clinical testing. Allele origin: germline.